The following is an entry in ClinVar:

NC_000019.9:g.(?_41928059)_(41930736_?)del

Gene: BCKDHA (branched chain keto acid dehydrogenase E1 subunit alpha; plus strand). Cytogenetic location: 19q13.2.
Variant type: Deletion.
Identifiers: ClinVar variation 3248405 (VCV003248405.1).

ClinVar aggregate classification (germline): Pathogenic (1 of 4 stars; one submission).

Conditions:
Maple syrup urine disease (MSUD). Identifiers: Orphanet 511, MedGen C0024776, MeSH D008375, MONDO:0009563. Disease mechanism: loss of function.

Submission:

Labcorp Genetics (formerly Invitae), Labcorp
Classification: Pathogenic for Maple syrup urine disease. Last evaluated: 2023-09-08. Review status: criteria provided, single submitter. Criteria: Invitae Variant Classification Sherloc (09022015). Collection method: clinical testing. Allele origin: unknown.
Comment: This variant is a gross deletion of the genomic region encompassing exon(s) 6-9 of the BCKDHA gene, which includes the termination codon. This deletion extends beyond the assayed region for this gene and therefore may encompass additional genes. While this deletion is not anticipated to lead to nonsense mediated decay, it is expected to alter mRNA translation or result in a truncated protein product. This variant has not been reported in the literature in individuals affected with BCKDHA-related conditions. This variant disrupts a region of the BCKDHA protein in which other variant(s) (p.Ala216Val) have been determined to be pathogenic (PMID: 16786533, 31980395, 34556729). This suggests that this is a clinically significant region of the protein, and that variants that disrupt it are likely to be disease-causing. For these reasons, this variant has been classified as Pathogenic.

Literature cited by the submitters: PubMed 16786533; PubMed 31980395; PubMed 34556729.